The following is an entry in ClinVar:

NM_000207.2(INS):c.-147del

Genes: INS (insulin; minus strand), INS-IGF2 (INS-IGF2 readthrough; minus strand). Cytogenetic location: 11p15.5.
Variant type: Deletion.
Coding change: c.-147del on transcript NM_000207.2; 147 bases upstream of the start codon, one base deleted (C; older notation c.-147delC).
Genome position (GRCh38, 1-based): chr11:2,161,297, G deleted on the plus strand (C on the coding strand, the reverse complement: INS is on the minus strand); the first of 4 consecutive G bases (chr11:2,161,297-2,161,300); deleting any one gives the same sequence. VCF-style (leftmost placement, unchanged base first): chr11-2161296-TG-T. GRCh37 (hg19) VCF-style: chr11-2182526-TG-T.
Identifiers: ClinVar variation 435506 (VCV000435506.23), dbSNP rs563630291, ClinGen allele CA216276916.
Genomic context (GRCh38, chr11:2,161,296, plus strand): 5'-TATAGTCTCAGAGCCCATCTCCCCTACCTCTCAACCCCTGCCGCCTGGCCCATTAGGGCC[TG>T]GGGTGGGGGGGTCGGCAGATGGCTGGGGGCTGAGGCTGCAATTTCCGGACCATTTCCCTG-3'

ClinVar aggregate classification (germline): Benign/Likely benign. Review status: criteria provided, multiple submitters, no conflicts (2 of 4 stars). 5 submissions from 5 submitters: Benign (4); Likely benign (1). Last evaluated 2026-07-01.

Conditions:
Neonatal insulin-dependent diabetes mellitus. Identifiers: MedGen C3278636, HP:0000857.

Submissions (5):

CeGaT Center for Human Genetics Tuebingen
Classification: Benign. Last evaluated: 2026-07-01. Review status: criteria provided, single submitter. Criteria: CeGaT Center For Human Genetics Tuebingen Variant Classification Criteria Version 2. Collection method: clinical testing. Allele origin: germline. Affected: yes. Observed: 4 variant alleles.
Comment: INS-IGF2: BS1, BS2

Blueprint Genetics
Classification: Likely benign. Last evaluated: 2024-11-22. Review status: criteria provided, single submitter. Criteria: ACMG Guidelines, 2015. Collection method: clinical testing. Allele origin: germline.

GeneDx
Classification: Benign. Last evaluated: 2019-03-25. Review status: criteria provided, single submitter. Criteria: GeneDx Variant Classification Process June 2021. Collection method: clinical testing. Allele origin: germline. Affected: yes.

Genetic Services Laboratory, University of Chicago
Classification: Benign. Last evaluated: 2016-10-31. Review status: criteria provided, single submitter. Criteria: ACMG Guidelines, 2015. Collection method: clinical testing. Allele origin: germline. Affected: no.

Clinical Genomics, Uppaluri K&H Personalized Medicine Clinic
Classification: Benign for Neonatal insulin-dependent diabetes mellitus. Review status: criteria provided, single submitter. Criteria: K & H Uppaluri Personalized Medicine Clinic Variant Classification & Assertion Criteria_Updated V.1. Collection method: research. Allele origin: unknown.
Comment: Mutations in INS gene can cause early onset diabetes mellitus which is insulin dependent. May have poor response to sulfonylureas, as this mutation can cause beta cell destruction. However no sufficient evidence is found to ascertain the role of this particular variant rs563630291, yet.

Literature cited by the submitters: PubMed 11921414 (cited by Clinical Genomics, Uppaluri K&H Personalized Medicine Clinic); PubMed 25542748 (cited by Clinical Genomics, Uppaluri K&H Personalized Medicine Clinic); PubMed 26101329 (cited by Clinical Genomics, Uppaluri K&H Personalized Medicine Clinic); PubMed 18171712 (cited by Clinical Genomics, Uppaluri K&H Personalized Medicine Clinic).